The following is an entry in ClinVar:

NM_000285.4(PEPD):c.819-1G>A

Gene: PEPD (peptidase D; minus strand). Cytogenetic location: 19q13.11.
Variant type: single nucleotide variant.
Coding change: c.819-1G>A on transcript NM_000285.4 (MANE Select); the canonical splice acceptor site of the intron before coding-DNA position 819, G replaced by A.
Molecular consequence: splice acceptor variant.
Genome position (GRCh38, 1-based): chr19:33,401,870, C>T on the plus strand (G>A on the coding strand, the complement: PEPD is on the minus strand). VCF-style: chr19-33401870-C-T. GRCh37 (hg19) VCF-style: chr19-33892776-C-T.
Other names: c.627-1G>A (NM_001166057.2); c.696-1G>A (NM_001166056.2).
Identifiers: ClinVar variation 1485637 (VCV001485637.7), dbSNP rs1305209476, ClinGen allele CA405224831.

ClinVar aggregate classification (germline): Likely pathogenic. Review status: criteria provided, multiple submitters, no conflicts (2 of 4 stars). 2 submissions from 2 submitters: Likely pathogenic (2). Last evaluated 2023-11-09.

Conditions:
Prolidase deficiency. Identifiers: Orphanet 742, MedGen C0268532, MONDO:0008221, OMIM 170100.

Allele frequency attached by ClinVar (database versions not stated): gnomAD exomes below 0.00001; gnomAD 0.00001.
gnomAD v4.1: 5 of 1,612,860 alleles (0.00031%); highest among the groups gnomAD compares: South Asian, 0.0044%; no homozygotes.

Submissions (2):

Labcorp Genetics (formerly Invitae), Labcorp
Classification: Likely pathogenic. Last evaluated: 2023-11-09. Review status: criteria provided, single submitter. Criteria: Invitae Variant Classification Sherloc (09022015). Collection method: clinical testing. Allele origin: germline.
Comment: This sequence change affects an acceptor splice site in intron 11 of the PEPD gene. It is expected to disrupt RNA splicing. Variants that disrupt the donor or acceptor splice site typically lead to a loss of protein function (PMID: 16199547), and loss-of-function variants in PEPD are known to be pathogenic (PMID: 8198124, 10721675, 12384772, 17142620). This variant is present in population databases (no rsID available, gnomAD 0.003%). This variant has not been reported in the literature in individuals affected with PEPD-related conditions. ClinVar contains an entry for this variant (Variation ID: 1485637). Algorithms developed to predict the effect of sequence changes on RNA splicing suggest that this variant may disrupt the consensus splice site. In summary, the currently available evidence indicates that the variant is pathogenic, but additional data are needed to prove that conclusively. Therefore, this variant has been classified as Likely Pathogenic.

Neuberg Centre For Genomic Medicine, NCGM
Classification: Likely pathogenic for Prolidase deficiency. Last evaluated: 2023-02-14. Review status: criteria provided, single submitter. Criteria: ACMG Guidelines, 2015. Collection method: clinical testing. Allele origin: germline. Inheritance: Autosomal recessive inheritance. Affected: yes.
Comment: The invariant splice acceptor c.819-1G>A in PEPD gene has been reported in homozygous state in individuals affected with prolidase deficiency (Forlino A et al. 2002). The variant has allele frequenc 0.0004% in gnomAD Exomes and is novel (not in any individuals) in 1000 Genomes. This variant has been reported to the ClinVar database as Likely Pathogenic. Loss of function variants have been previously reported to be disease causing. For these reasons, this variant has been classified as Likely Pathogenic.

Literature cited by the submitters: PubMed 16199547 (cited by Labcorp Genetics (formerly Invitae), Labcorp); PubMed 8198124 (cited by Labcorp Genetics (formerly Invitae), Labcorp); PubMed 10721675 (cited by Labcorp Genetics (formerly Invitae), Labcorp); PubMed 12384772 (cited by Labcorp Genetics (formerly Invitae), Labcorp); PubMed 17142620 (cited by Labcorp Genetics (formerly Invitae), Labcorp).